The following is an entry in ClinVar:

NM_024675.4(PALB2):c.946C>G (p.Pro316Ala)

Gene: PALB2 (partner and localizer of BRCA2; minus strand). Cytogenetic location: 16p12.2.
Variant type: single nucleotide variant.
Coding change: c.946C>G on transcript NM_024675.4 (MANE Select); coding-DNA position 946, C replaced by G.
Protein change: p.Pro316Ala; replaces proline 316 with alanine.
Molecular consequence: missense variant.
Genome position (GRCh38, 1-based): chr16:23,635,600, G>C on the plus strand (C>G on the coding strand, the complement: PALB2 is on the minus strand). VCF-style: chr16-23635600-G-C. GRCh37 (hg19) VCF-style: chr16-23646921-G-C.
Other names: c.886C>G, p.Pro296Ala (NM_001407296.1); c.946C>G, p.Pro316Ala (NM_001407297.1, NM_001407298.1, NM_001407299.1 and 3 more transcripts); c.61C>G, p.Pro21Ala (NM_001407304.1, NM_001407305.1, NM_001407306.1 and 5 more transcripts); short protein forms P21A, P296A, P316A.
Identifiers: ClinVar variation 1767057 (VCV001767057.2), dbSNP rs751688374, ClinGen allele CA395135131.

ClinVar aggregate classification (germline): Uncertain significance (1 of 4 stars; one submission).

Conditions:
Hereditary cancer-predisposing syndrome. Also called: Hereditary Cancer Syndrome; Hereditary neoplastic syndrome; Neoplastic Syndromes, Hereditary; Tumor predisposition. Identifiers: Orphanet 140162, MedGen C0027672, MeSH D009386, MONDO:0015356.

Submission:

Ambry Genetics
Classification: Uncertain significance for Hereditary cancer-predisposing syndrome. Last evaluated: 2021-08-29. Review status: criteria provided, single submitter. Criteria: Ambry Variant Classification Scheme 2023. Collection method: clinical testing. Allele origin: germline.
Comment: The p.P316A variant (also known as c.946C>G), located in coding exon 4 of the PALB2 gene, results from a C to G substitution at nucleotide position 946. The proline at codon 316 is replaced by alanine, an amino acid with highly similar properties. This amino acid position is conserved. In addition, this alteration is predicted to be tolerated by in silico analysis. Since supporting evidence is limited at this time, the clinical significance of this alteration remains unclear.